The following is an entry in ClinVar:

ClinVar aggregate classification (germline): Uncertain significance. Review status: criteria provided, multiple submitters, no conflicts (2 of 4 stars). 2 submissions from 2 submitters: Uncertain significance (2). Last evaluated 2022-01-19.

Conditions:
Hereditary cancer-predisposing syndrome. Also called: Neoplastic Syndromes, Hereditary; Tumor predisposition; Hereditary Cancer Syndrome; Hereditary neoplastic syndrome. Identifiers: Orphanet 140162, MedGen C0027672, MeSH D009386, MONDO:0015356.
Hereditary breast ovarian cancer syndrome. Also called: Hereditary breast and ovarian cancer; Hereditary breast and ovarian cancer syndrome (HBOC); Hereditary breast and ovarian cancer syndrome; Breast and ovarian cancer; Hereditary breast and/or ovarian cancer syndrome; BRCA1- and BRCA2-Associated Hereditary Breast and Ovarian Cancer. Identifiers: Orphanet 145, MedGen C0677776, MeSH D061325, MONDO:0003582. Disease mechanism: loss of function.

Allele frequency attached by ClinVar (database versions not stated): gnomAD exomes below 0.00001.

Submissions (2):

Labcorp Genetics (formerly Invitae), Labcorp
Classification: Uncertain significance for Hereditary breast ovarian cancer syndrome. Last evaluated: 2022-01-19. Review status: criteria provided, single submitter. Criteria: Invitae Variant Classification Sherloc (09022015). Collection method: clinical testing. Allele origin: germline.
Comment: In summary, the available evidence is currently insufficient to determine the role of this variant in disease. Therefore, it has been classified as a Variant of Uncertain Significance. Advanced modeling of protein sequence and biophysical properties (such as structural, functional, and spatial information, amino acid conservation, physicochemical variation, residue mobility, and thermodynamic stability) performed at Invitae indicates that this missense variant is not expected to disrupt BRCA2 protein function. This variant has not been reported in the literature in individuals affected with BRCA2-related conditions. This variant is not present in population databases (gnomAD no frequency). This sequence change replaces asparagine, which is neutral and polar, with aspartic acid, which is acidic and polar, at codon 72 of the BRCA2 protein (p.Asn72Asp).

Ambry Genetics
Classification: Uncertain significance for Hereditary cancer-predisposing syndrome. Last evaluated: 2020-11-25. Review status: criteria provided, single submitter. Criteria: Ambry Variant Classification Scheme 2023. Collection method: clinical testing. Allele origin: germline.
Comment: The p.N72D variant (also known as c.214A>G), located in coding exon 2 of the BRCA2 gene, results from an A to G substitution at nucleotide position 214. The asparagine at codon 72 is replaced by aspartic acid, an amino acid with highly similar properties. This amino acid position is poorly conserved in available vertebrate species. In addition, this alteration is predicted to be tolerated by in silico analysis. Since supporting evidence is limited at this time, the clinical significance of this alteration remains unclear.

NM_000059.4(BRCA2):c.214A>G (p.Asn72Asp)

Gene: BRCA2 (BRCA2 DNA repair associated; plus strand). Cytogenetic location: 13q13.1.
Variant type: single nucleotide variant.
Coding change: c.214A>G on transcript NM_000059.4 (MANE Select); coding-DNA position 214, A replaced by G.
Protein change: p.Asn72Asp; replaces asparagine 72 with aspartic acid.
Molecular consequence: missense variant.
Genome position (GRCh38, 1-based): chr13:32,319,223, A>G. VCF-style: chr13-32319223-A-G. GRCh37 (hg19) VCF-style: chr13-32893360-A-G.
Other names: c.214A>G, p.Asn72Asp (NM_001406719.1, NM_001406720.1, NM_001406721.1); c.-156A>G (NM_001406722.1); short protein forms N72D.
Identifiers: ClinVar variation 1786701 (VCV001786701.7), dbSNP rs1555280382, ClinGen allele CA387754440.